The following is an entry in ClinVar:

ClinVar aggregate classification (germline): Likely pathogenic (1 of 4 stars; one submission).

Conditions:
Autosomal recessive nonsyndromic hearing loss 77. Identifiers: Orphanet 90636, MedGen C2746083, MONDO:0013119, OMIM 613079.

Submission:

Natera, Inc.
Classification: Likely pathogenic for Autosomal recessive deafness type 77. Last evaluated: 2025-11-17. Review status: criteria provided, single submitter. Criteria: Natera Variant Classification Schema (03/2026). Collection method: clinical testing. Allele origin: germline.
Comment: The c.4376-2_4381dup variant in LOXHD1 is a canonical splice acceptor site variant predicted to affect pre-mRNA splicing, which may result in an abnormal transcript and altered protein product. This variant is expected to result in nonsense mediated decay, truncation, or a dysfunctional protein product. This variant is rare in the general population with a frequency below the threshold expected for the associated phenotype(s). Given the available evidence, this variant is classified as Likely Pathogenic.

NM_001384474.1(LOXHD1):c.4376-2_4381dup

Gene: LOXHD1 (lipoxygenase homology PLAT domains 1; minus strand). Cytogenetic location: 18q21.1.
Variant type: Duplication.
Coding change: c.4376-2_4381dup on transcript NM_001384474.1 (MANE Select); the canonical splice acceptor site of the intron before coding-DNA position 4376 through coding-DNA position 4381, 8 bases duplicated (AGTTGTGC; older notation c.4376-2_4381dupAGTTGTGC).
Molecular consequence: splice acceptor variant.
Genome position (GRCh38, 1-based): chr18:46,529,326-46,529,333, GCACAACT duplicated on the plus strand (AGTTGTGC on the coding strand, the reverse complement: LOXHD1 is on the minus strand); duplicating any 8 consecutive bases within chr18:46,529,326-46,529,334 gives the same sequence; the c. name uses the placement nearest the transcript's 3' end. VCF-style (leftmost placement, unchanged base first): chr18-46529325-A-AGCACAACT. GRCh37 (hg19) VCF-style: chr18-44109288-A-AGCACAACT.
Other names: c.1043-2_1048dup (NM_001145472.3); c.755-2_760dup (NM_001308013.2); c.4376-2_4381dup (NM_144612.7).
Identifiers: ClinVar variation 4816826 (VCV004816826.1).